The following is an entry in ClinVar:

NM_001999.4(FBN2):c.281A>G (p.His94Arg)

Gene: FBN2 (fibrillin 2; minus strand). Cytogenetic location: 5q23.3.
Variant type: single nucleotide variant.
Coding change: c.281A>G on transcript NM_001999.4 (MANE Select); coding-DNA position 281, A replaced by G.
Protein change: p.His94Arg; replaces histidine 94 with arginine.
Molecular consequence: missense variant.
Genome position (GRCh38, 1-based): chr5:128,536,458, T>C on the plus strand (A>G on the coding strand, the complement: FBN2 is on the minus strand). VCF-style: chr5-128536458-T-C. GRCh37 (hg19) VCF-style: chr5-127872151-T-C.
Other names: short protein forms H94R.
Identifiers: ClinVar variation 1796411 (VCV001796411.2), dbSNP rs2479825692, ClinGen allele CA360761479.

ClinVar aggregate classification (germline): Uncertain significance (1 of 4 stars; one submission).

Conditions:
Familial thoracic aortic aneurysm and aortic dissection (TAAD). Also called: Thoracic aortic aneurysms and dissections. Identifiers: Orphanet 91387, MedGen C4707243, MONDO:0019625.

Submission:

Ambry Genetics
Classification: Uncertain significance for Familial thoracic aortic aneurysm and aortic dissection. Last evaluated: 2021-03-26. Review status: criteria provided, single submitter. Criteria: Ambry Variant Classification Scheme 2023. Collection method: clinical testing. Allele origin: germline.
Comment: The p.H94R variant (also known as c.281A>G), located in coding exon 2 of the FBN2 gene, results from an A to G substitution at nucleotide position 281. The histidine at codon 94 is replaced by arginine, an amino acid with highly similar properties. This amino acid position is well conserved in available vertebrate species; however, arginine is the reference amino acid in other vertebrate species. In addition, the in silico prediction for this alteration is inconclusive. Since supporting evidence is limited at this time, the clinical significance of this alteration remains unclear.